The following is an entry in ClinVar:

ClinVar aggregate classification (germline): Uncertain significance (1 of 4 stars; one submission).

Allele frequency attached by ClinVar (database versions not stated): TOPMed below 0.00001; gnomAD 0.00002.

Submission:

Labcorp Genetics (formerly Invitae), Labcorp
Classification: Uncertain significance. Last evaluated: 2022-05-17. Review status: criteria provided, single submitter. Criteria: Invitae Variant Classification Sherloc (09022015). Collection method: clinical testing. Allele origin: germline.
Comment: This sequence change replaces threonine, which is neutral and polar, with asparagine, which is neutral and polar, at codon 75 of the YARS2 protein (p.Thr75Asn). This variant is present in population databases (no rsID available, gnomAD no frequency). This variant has not been reported in the literature in individuals affected with YARS2-related conditions. Advanced modeling of protein sequence and biophysical properties (such as structural, functional, and spatial information, amino acid conservation, physicochemical variation, residue mobility, and thermodynamic stability) performed at Invitae indicates that this missense variant is expected to disrupt YARS2 protein function. In summary, the available evidence is currently insufficient to determine the role of this variant in disease. Therefore, it has been classified as a Variant of Uncertain Significance.

NM_001040436.3(YARS2):c.224C>A (p.Thr75Asn)

Gene: YARS2 (tyrosyl-tRNA synthetase 2; minus strand). Cytogenetic location: 12p11.21.
Variant type: single nucleotide variant.
Coding change: c.224C>A on transcript NM_001040436.3 (MANE Select); coding-DNA position 224, C replaced by A.
Protein change: p.Thr75Asn; replaces threonine 75 with asparagine.
Molecular consequence: missense variant.
Genome position (GRCh38, 1-based): chr12:32,755,651, G>T on the plus strand (C>A on the coding strand, the complement: YARS2 is on the minus strand). VCF-style: chr12-32755651-G-T. GRCh37 (hg19) VCF-style: chr12-32908585-G-T.
Other names: short protein forms T75N.
Identifiers: ClinVar variation 1900378 (VCV001900378.2), dbSNP rs866901757, ClinGen allele CA235221471.